The following is an entry in ClinVar:

NM_201384.3(PLEC):c.3721A>G (p.Ser1241Gly)

Gene: PLEC (plectin; minus strand). Cytogenetic location: 8q24.3.
Variant type: single nucleotide variant.
Coding change: c.3721A>G on transcript NM_201384.3 (MANE Select); coding-DNA position 3721, A replaced by G.
Protein change: p.Ser1241Gly; replaces serine 1241 with glycine.
Molecular consequence: missense variant.
Genome position (GRCh38, 1-based): chr8:143,927,445, T>C on the plus strand (A>G on the coding strand, the complement: PLEC is on the minus strand). VCF-style: chr8-143927445-T-C. GRCh37 (hg19) VCF-style: chr8-145001613-T-C.
Other names: c.3802A>G, p.Ser1268Gly (NM_000445.5, NM_001410941.1); c.3679A>G, p.Ser1227Gly (NM_201378.4); c.3655A>G, p.Ser1219Gly (NM_201379.3); c.4132A>G, p.Ser1378Gly (NM_201380.4); c.3625A>G, p.Ser1209Gly (NM_201381.3); c.3721A>G, p.Ser1241Gly (NM_201382.4); c.3733A>G, p.Ser1245Gly (NM_201383.3); short protein forms S1209G, S1219G, S1227G, S1241G, S1245G, S1268G, S1378G.
Identifiers: ClinVar variation 3752944 (VCV003752944.2).

ClinVar aggregate classification (germline): Uncertain significance (1 of 4 stars; one submission).

Conditions:
Epidermolysis bullosa simplex with nail dystrophy (EBS5D). Identifiers: MedGen C4225309, MONDO:0014661, OMIM 616487.
Epidermolysis bullosa simplex, Ogna type (EBS5A). Also called: Pidermolysis bullosa simplex 5A, Ogna type; EPIDERMOLYSIS BULLOSA SIMPLEX 5A, OGNA TYPE. Identifiers: Orphanet 79401, MedGen C0432317, MONDO:0007555, OMIM 131950.
Autosomal recessive limb-girdle muscular dystrophy type 2Q (LGMDR17). Also called: MUSCULAR DYSTROPHY, LIMB-GIRDLE, AUTOSOMAL RECESSIVE 17. Identifiers: Orphanet 254361, MedGen C3150989, MONDO:0013390, OMIM 613723.
Epidermolysis bullosa simplex 5B, with muscular dystrophy (EBS5B). Also called: EPIDERMOLYSIS BULLOSA SIMPLEX AND LIMB-GIRDLE MUSCULAR DYSTROPHY; Epidermolysis bullosa simplex with muscular dystrophy. Identifiers: Orphanet 257, MedGen C2931072, MONDO:0009181, OMIM 226670.
Epidermolysis bullosa simplex 5C, with pyloric atresia (EBS5C). Also called: PLEC-Related Epidermolysis Bullosa with Pyloric Atresia; Epidermolysis bullosa simplex with pyloric atresia; PLEC1-Related Epidermolysis Bullosa with Pyloric Atresia. Identifiers: Orphanet 158684, MedGen C2677349, MONDO:0012807, OMIM 612138.

Submission:

Labcorp Genetics (formerly Invitae), Labcorp
Classification: Uncertain significance for Autosomal recessive limb-girdle muscular dystrophy type 2Q; Epidermolysis bullosa simplex, Ogna type; Epidermolysis bullosa simplex with nail dystrophy; Epidermolysis bullosa simplex 5C, with pyloric atresia; Epidermolysis bullosa simplex 5B, with muscular dystrophy. Last evaluated: 2024-04-10. Review status: criteria provided, single submitter. Criteria: Invitae Variant Classification Sherloc (09022015). Collection method: clinical testing. Allele origin: germline.
Comment: This sequence change replaces serine, which is neutral and polar, with glycine, which is neutral and non-polar, at codon 1268 of the PLEC protein (p.Ser1268Gly). This variant is not present in population databases (gnomAD no frequency). This variant has not been reported in the literature in individuals affected with PLEC-related conditions. Advanced modeling of protein sequence and biophysical properties (such as structural, functional, and spatial information, amino acid conservation, physicochemical variation, residue mobility, and thermodynamic stability) performed at Invitae indicates that this missense variant is not expected to disrupt PLEC protein function with a negative predictive value of 80%. In summary, the available evidence is currently insufficient to determine the role of this variant in disease. Therefore, it has been classified as a Variant of Uncertain Significance.